The following is an entry in ClinVar:

NM_001085.5(SERPINA3):c.819C>T (p.Ser273=)

Gene: SERPINA3 (serpin family A member 3; plus strand). Cytogenetic location: 14q32.13.
Variant type: single nucleotide variant.
Coding change: c.819C>T on transcript NM_001085.5 (MANE Select); coding-DNA position 819, C replaced by T.
Protein change: p.Ser273=; no amino-acid change (serine 273 retained).
Molecular consequence: synonymous variant.
Genome position (GRCh38, 1-based): chr14:94,619,370, C>T. VCF-style: chr14-94619370-C-T. GRCh37 (hg19) VCF-style: chr14-95085707-C-T.
Other names: c.819C>T, p.Ser273= (NM_001384672.1, NM_001384673.1, NM_001384674.1).
Identifiers: ClinVar variation 3037686 (VCV003037686.2), dbSNP rs61737404, ClinGen allele CA7329896.
Genomic context (GRCh38, chr14:94,619,370, plus strand): 5'-CTTCCGGGACGAGGAGCTGTCCTGCACCGTGGTGGAGCTGAAGTACACAGGCAATGCCAG[C>T]GCACTCTTCATCCTCCCTGATCAAGACAAGATGGAGGAAGTGGAAGCCATGCTGCTCCCA-3'
Protein context (NP_001076.2, residues 263-283): VVELKYTGNA[Ser273=]ALFILPDQDK

ClinVar aggregate classification (germline): Benign (0 of 4 stars; one submission).

Conditions:
SERPINA3-related disorder. Also called: SERPINA3-related condition.

Allele frequency attached by ClinVar (database versions not stated): 1000 Genomes Project 30x 0.01343; 1000 Genomes Project 0.01398; ESP Exome Variant Server 0.02700.
gnomAD v4.1: 56,489 of 1,614,058 alleles (3.5%); highest among the groups gnomAD compares: Non-Finnish European, 3.9%; 1,136 homozygotes.

Submission:

PreventionGenetics, part of Exact Sciences
Classification: Benign for SERPINA3-related condition. Last evaluated: 2019-09-24. Review status: no assertion criteria provided. Collection method: clinical testing. Allele origin: germline.
Comment: This variant is classified as benign based on ACMG/AMP sequence variant interpretation guidelines (Richards et al. 2015 PMID: 25741868, with internal and published modifications).